The following is an entry in ClinVar:

ClinVar aggregate classification (germline): Likely pathogenic (1 of 4 stars; one submission).

Submission:

Labcorp Genetics (formerly Invitae), Labcorp
Classification: Likely pathogenic. Last evaluated: 2026-01-04. Review status: criteria provided, single submitter. Criteria: Invitae Variant Classification Sherloc (09022015). Collection method: clinical testing. Allele origin: germline.
Comment: This variant results in the deletion of part of exon 9 (c.1228-6_1230del) of the CSGALNACT1 gene. It is expected to disrupt RNA splicing. Variants that disrupt the donor or acceptor splice site typically lead to a loss of protein function (PMID: 16199547), and loss-of-function variants in CSGALNACT1 are known to be pathogenic (PMID: 21148564, 27599773, 31325655). This variant is not present in population databases (gnomAD no frequency). This variant has not been reported in the literature in individuals affected with CSGALNACT1-related conditions. In summary, the currently available evidence indicates that the variant is pathogenic, but additional data are needed to prove that conclusively. Therefore, this variant has been classified as Likely Pathogenic.

Literature cited by the submitters: PubMed 16199547; PubMed 21148564; PubMed 27599773; PubMed 31325655.

NM_001354483.2(CSGALNACT1):c.1228-6_1230del

Gene: CSGALNACT1 (chondroitin sulfate N-acetylgalactosaminyltransferase 1; minus strand). Cytogenetic location: 8p21.3.
Variant type: Deletion.
Coding change: c.1228-6_1230del on transcript NM_001354483.2 (MANE Select); 6 bases into the intron before coding-DNA position 1228 through coding-DNA position 1230, 9 bases deleted (TTGCAGGTC; older notation c.1228-6_1230delTTGCAGGTC).
Molecular consequence: splice acceptor variant.
Genome position (GRCh38, 1-based): chr8:19,408,692-19,408,700, GACCTGCAA deleted on the plus strand (TTGCAGGTC on the coding strand, the reverse complement: CSGALNACT1 is on the minus strand); deleting any 9 consecutive bases within chr8:19,408,692-19,408,702 gives the same sequence; the c. name uses the placement nearest the transcript's 3' end. VCF-style (leftmost placement, unchanged base first): chr8-19408691-TGACCTGCAA-T. GRCh37 (hg19) VCF-style: chr8-19266202-TGACCTGCAA-T.
Other names: c.1228-6_1230del (NM_001354476.2, NM_001354481.2, NM_001354477.2 and 18 more transcripts).
Identifiers: ClinVar variation 4812190 (VCV004812190.1).
Genomic context (GRCh38, chr8:19,408,691, plus strand): 5'-ACCGATACTGACACGTCATCCCAAATCCAAAGTCTCTCCAAAATCCAGTTTCCTTCTTTA[TGACCTGCAA>T]GAAAAGCACTGTCATTTGAGGGGAAAGTTTAGGGTGGACAAAAATAGAGTGTTCACAAAC-3'